The following is an entry in ClinVar:

NM_006929.5(SKIC2):c.3541-3C>T

Gene: SKIC2 (SKI2 subunit of superkiller complex; plus strand). Cytogenetic location: 6p21.33.
Variant type: single nucleotide variant.
Coding change: c.3541-3C>T on transcript NM_006929.5 (MANE Select); 3 bases into the intron before coding-DNA position 3541, C replaced by T.
Molecular consequence: intron variant.
Genome position (GRCh38, 1-based): chr6:31,969,512, C>T. VCF-style: chr6-31969512-C-T. GRCh37 (hg19) VCF-style: chr6-31937289-C-T.
Identifiers: ClinVar variation 1489677 (VCV001489677.6), dbSNP rs2151817910, ClinGen allele CA2573140265.

ClinVar aggregate classification (germline): Uncertain significance (1 of 4 stars; one submission).

gnomAD v4.1: 1 of 1,613,174 alleles (0.000062%); highest among the groups gnomAD compares: Non-Finnish European, 0.000085%; no homozygotes.

Submission:

Labcorp Genetics (formerly Invitae), Labcorp
Classification: Uncertain significance. Last evaluated: 2023-08-10. Review status: criteria provided, single submitter. Criteria: Invitae Variant Classification Sherloc (09022015). Collection method: clinical testing. Allele origin: germline.
Comment: This variant has not been reported in the literature in individuals affected with SKIV2L-related conditions. This variant is not present in population databases (gnomAD no frequency). This sequence change falls in intron 27 of the SKIV2L gene. It does not directly change the encoded amino acid sequence of the SKIV2L protein. It affects a nucleotide within the consensus splice site. In summary, the available evidence is currently insufficient to determine the role of this variant in disease. Therefore, it has been classified as a Variant of Uncertain Significance. Variants that disrupt the consensus splice site are a relatively common cause of aberrant splicing (PMID: 17576681, 9536098). Algorithms developed to predict the effect of sequence changes on RNA splicing suggest that this variant may disrupt the consensus splice site. ClinVar contains an entry for this variant (Variation ID: 1489677).

Literature cited by the submitters: PubMed 17576681; PubMed 9536098.